The following is an entry in ClinVar:

NM_001384474.1(LOXHD1):c.5842C>T (p.His1948Tyr)

Gene: LOXHD1 (lipoxygenase homology PLAT domains 1; minus strand). Cytogenetic location: 18q21.1.
Variant type: single nucleotide variant.
Coding change: c.5842C>T on transcript NM_001384474.1 (MANE Select); coding-DNA position 5842, C replaced by T.
Protein change: p.His1948Tyr; replaces histidine 1948 with tyrosine.
Molecular consequence: missense variant.
Genome position (GRCh38, 1-based): chr18:46,505,874, G>A on the plus strand (C>T on the coding strand, the complement: LOXHD1 is on the minus strand). VCF-style: chr18-46505874-G-A. GRCh37 (hg19) VCF-style: chr18-44085837-G-A.
Other names: c.2509C>T, p.His837Tyr (NM_001145472.3); c.559C>T, p.His187Tyr (NM_001145473.3, NM_001173129.2); c.2221C>T, p.His741Tyr (NM_001308013.2); c.5656C>T, p.His1886Tyr (NM_144612.7); short protein forms H1948Y, H741Y, H187Y, H1886Y, H837Y.
Identifiers: ClinVar variation 4768880 (VCV004768880.1).
Genomic context (GRCh38, chr18:46,505,874, plus strand): 5'-AACCTGGCCTTGAGTGGGAGCTACCTTTGTTGTCGTGCCAGACCCTCAGCTTGCAGAGGT[G>A]GCCCAAGCTCAGCATGTCAGGGAAGTTGAATGTGTCCGTGTTGTTCCGCTCAAACTTGTT-3'
Protein context (NP_001371403.1, residues 1938-1958): FNFPDMLSLG[His1948Tyr]LCKLRVWHDN

ClinVar aggregate classification (germline): Uncertain significance (1 of 4 stars; one submission).

gnomAD v4.1: 2 of 1,551,644 alleles (0.00013%); highest among the groups gnomAD compares: Non-Finnish European, 0.00017%; no homozygotes.

Submission:

Labcorp Genetics (formerly Invitae), Labcorp
Classification: Uncertain significance. Last evaluated: 2025-07-20. Review status: criteria provided, single submitter. Criteria: Invitae Variant Classification Sherloc (09022015). Collection method: clinical testing. Allele origin: germline.
Comment: This sequence change replaces histidine, which is basic and polar, with tyrosine, which is neutral and polar, at codon 1886 of the LOXHD1 protein (p.His1886Tyr). This variant is not present in population databases (gnomAD no frequency). This variant has not been reported in the literature in individuals affected with LOXHD1-related conditions. An algorithm developed to predict the effect of missense changes on protein structure and function (PolyPhen-2) suggests that this variant is likely to be disruptive. In summary, the available evidence is currently insufficient to determine the role of this variant in disease. Therefore, it has been classified as a Variant of Uncertain Significance.